The following is an entry in ClinVar:

NM_001378454.1(ALMS1):c.7736T>C (p.Ile2579Thr)

Gene: ALMS1 (ALMS1 centrosome and basal body associated protein; plus strand). Cytogenetic location: 2p13.1.
Variant type: single nucleotide variant.
Coding change: c.7736T>C on transcript NM_001378454.1 (MANE Select); coding-DNA position 7736, T replaced by C.
Protein change: p.Ile2579Thr; replaces isoleucine 2579 with threonine.
Molecular consequence: missense variant.
Genome position (GRCh38, 1-based): chr2:73,489,695, T>C. VCF-style: chr2-73489695-T-C. GRCh37 (hg19) VCF-style: chr2-73716822-T-C.
Other names: c.7739T>C, p.Ile2580Thr (NM_015120.4); short protein forms I2580T, I2579T.
Identifiers: ClinVar variation 2089287 (VCV002089287.4), dbSNP rs2466212315, ClinGen allele CA347263959.
Genomic context (GRCh38, chr2:73,489,695, plus strand): 5'-GTTTACAGAGTCCACGGGGAATGGGATGCAAGCCAGAAGCTGTATGTAGTCACATTATTA[T>C]TGAGAGCCATGAAAAGGGATGTTTCCGGACTCTAACTTCTGAACATCCACAACTAGATAG-3'
Protein context (NP_001365383.1, residues 2569-2589): KPEAVCSHII[Ile2579Thr]ESHEKGCFRT

ClinVar aggregate classification (germline): Uncertain significance (1 of 4 stars; one submission).

Conditions:
Alstrom syndrome (ALMS). Identifiers: Orphanet 64, MedGen C0268425, MONDO:0008763, OMIM 203800.

Submission:

Labcorp Genetics (formerly Invitae), Labcorp
Classification: Uncertain significance for Alstrom syndrome. Last evaluated: 2023-10-13. Review status: criteria provided, single submitter. Criteria: Invitae Variant Classification Sherloc (09022015). Collection method: clinical testing. Allele origin: germline.
Comment: This sequence change replaces isoleucine, which is neutral and non-polar, with threonine, which is neutral and polar, at codon 2580 of the ALMS1 protein (p.Ile2580Thr). This variant is not present in population databases (gnomAD no frequency). This variant has not been reported in the literature in individuals affected with ALMS1-related conditions. ClinVar contains an entry for this variant (Variation ID: 2089287). Experimental studies and prediction algorithms are not available or were not evaluated, and the functional significance of this variant is currently unknown. In summary, the available evidence is currently insufficient to determine the role of this variant in disease. Therefore, it has been classified as a Variant of Uncertain Significance.